The following is an entry in ClinVar:

ClinVar aggregate classification (germline): Uncertain significance. Review status: criteria provided, multiple submitters, no conflicts (2 of 4 stars). 2 submissions from 2 submitters: Uncertain significance (2). Last evaluated 2025-07-27.

Conditions:
Progressive myoclonic epilepsy type 7. Identifiers: Orphanet 435438, MedGen C4015420, MONDO:0014521, OMIM 616187.

Submissions (2):

Labcorp Genetics (formerly Invitae), Labcorp
Classification: Uncertain significance for Progressive myoclonic epilepsy type 7. Last evaluated: 2025-07-27. Review status: criteria provided, single submitter. Criteria: Invitae Variant Classification Sherloc (09022015). Collection method: clinical testing. Allele origin: germline.
Comment: This sequence change replaces isoleucine, which is neutral and non-polar, with threonine, which is neutral and polar, at codon 248 of the KCNC1 protein (p.Ile248Thr). This variant is not present in population databases (gnomAD no frequency). This variant has not been reported in the literature in individuals affected with KCNC1-related conditions. ClinVar contains an entry for this variant (Variation ID: 623766). Invitae Evidence Modeling of protein sequence and biophysical properties (such as structural, functional, and spatial information, amino acid conservation, physicochemical variation, residue mobility, and thermodynamic stability) indicates that this missense variant is not expected to disrupt KCNC1 protein function with a negative predictive value of 80%. In summary, the available evidence is currently insufficient to determine the role of this variant in disease. Therefore, it has been classified as a Variant of Uncertain Significance.

CeGaT Center for Human Genetics Tuebingen
Classification: Uncertain significance. Last evaluated: 2018-07-01. Review status: criteria provided, single submitter. Criteria: CeGaT Center For Human Genetics Tuebingen Variant Classification Criteria Version 2. Collection method: clinical testing. Allele origin: germline. Affected: yes. Observed: 1 variant allele.

NM_001112741.2(KCNC1):c.743T>C (p.Ile248Thr)

Gene: KCNC1 (potassium voltage-gated channel subfamily C member 1; plus strand). Cytogenetic location: 11p15.1.
Variant type: single nucleotide variant.
Coding change: c.743T>C on transcript NM_001112741.2 (MANE Select); coding-DNA position 743, T replaced by C.
Protein change: p.Ile248Thr; replaces isoleucine 248 with threonine.
Molecular consequence: missense variant.
Genome position (GRCh38, 1-based): chr11:17,771,837, T>C. VCF-style: chr11-17771837-T-C. GRCh37 (hg19) VCF-style: chr11-17793384-T-C.
Other names: c.743T>C, p.Ile248Thr (NM_004976.4); short protein forms I248T.
Identifiers: ClinVar variation 623766 (VCV000623766.44), dbSNP rs1565162643, ClinGen allele CA379806117.
Genomic context (GRCh38, chr11:17,771,837, plus strand): 5'-GCAATGGCACGCAAGTGCGCTACTACCGGGAGGCCGAGACGGAGGCCTTCCTTACCTACA[T>C]CGAGGGCGTCTGTGTGGTCTGGTTCACCTTCGAGTTCCTCATGCGTGTCATCTTCTGCCC-3'
Protein context (NP_001106212.1, residues 238-258): EAETEAFLTY[Ile248Thr]EGVCVVWFTF